The following is an entry in ClinVar:

ClinVar aggregate classification (germline): Uncertain significance (1 of 4 stars; one submission).

Conditions:
Autosomal dominant nocturnal frontal lobe epilepsy 5. Also called: CILIARY DYSKINESIA, PRIMARY, 28, WITHOUT SITUS INVERSUS; CILIARY DYSKINESIA, PRIMARY, 28, WITH SITUS INVERSUS; Epilepsy, nocturnal frontal lobe, 5; KCNT1-Related Epilepsy. Identifiers: Orphanet 98784, MedGen C3554306, MONDO:0014002, OMIM 615005.
Developmental and epileptic encephalopathy, 14 (DEE14). Also called: Early infantile epileptic encephalopathy 14. Identifiers: Orphanet 293181, MedGen C3554195, MONDO:0013989, OMIM 614959.

Allele frequency attached by ClinVar (database versions not stated): ExAC 0.00001; gnomAD exomes 0.00001; gnomAD 0.00002; TOPMed 0.00002; 1000 Genomes Project 0.00020; 1000 Genomes Project 30x 0.00031.
gnomAD v4.1: 16 of 1,607,536 alleles (0.001%); highest among the groups gnomAD compares: African/African-American, 0.0067%; no homozygotes.

Submission:

Labcorp Genetics (formerly Invitae), Labcorp
Classification: Uncertain significance for Autosomal dominant nocturnal frontal lobe epilepsy 5; Developmental and epileptic encephalopathy, 14. Last evaluated: 2025-08-11. Review status: criteria provided, single submitter. Criteria: Invitae Variant Classification Sherloc (09022015). Collection method: clinical testing. Allele origin: germline.
Comment: This sequence change falls in intron 15 of the KCNT1 gene. It does not directly change the encoded amino acid sequence of the KCNT1 protein. It affects a nucleotide within the consensus splice site. This variant is not present in population databases (gnomAD no frequency). This variant has not been reported in the literature in individuals affected with KCNT1-related conditions. ClinVar contains an entry for this variant (Variation ID: 2189793). Variants that disrupt the consensus splice site are a relatively common cause of aberrant splicing (PMID: 17576681, 9536098). Algorithms developed to predict the effect of sequence changes on RNA splicing suggest that this variant may disrupt the consensus splice site. In summary, the available evidence is currently insufficient to determine the role of this variant in disease. Therefore, it has been classified as a Variant of Uncertain Significance.

Literature cited by the submitters: PubMed 17576681; PubMed 9536098.

NM_020822.3(KCNT1):c.1510+5G>A

Gene: KCNT1 (potassium sodium-activated channel subfamily T member 1; plus strand). Cytogenetic location: 9q34.3.
Variant type: single nucleotide variant.
Coding change: c.1510+5G>A on transcript NM_020822.3 (MANE Select); 5 bases into the intron after coding-DNA position 1510, G replaced by A.
Molecular consequence: intron variant.
Genome position (GRCh38, 1-based): chr9:135,768,942, G>A. VCF-style: chr9-135768942-G-A. GRCh37 (hg19) VCF-style: chr9-138660788-G-A.
Other names: c.1375+5G>A (NM_001272003.2).
Identifiers: ClinVar variation 2189793 (VCV002189793.3), dbSNP rs184125539, ClinGen allele CA5326921.
Genomic context (GRCh38, chr9:135,768,942, plus strand): 5'-CCCCCTCTACGTCCAGATCCTCAAACCTGAAAACAAGTTTCACGTCAAGTTTGCTGGTGC[G>A]TCTGGGGCACACGTGGGTGATGGTGTATCTGGGGCAGGGCACGTGTGCACACGTGGGTGA-3'